The following is an entry in ClinVar:

NM_001276270.2(MBD4):c.1286T>A (p.Phe429Tyr)

Gene: MBD4 (methyl-CpG binding domain 4, DNA glycosylase; minus strand). Cytogenetic location: 3q21.3.
Variant type: single nucleotide variant.
Coding change: c.1286T>A on transcript NM_001276270.2 (MANE Select); coding-DNA position 1286, T replaced by A.
Protein change: p.Phe429Tyr; replaces phenylalanine 429 with tyrosine.
Molecular consequence: missense variant.
Genome position (GRCh38, 1-based): chr3:129,433,957, A>T on the plus strand (T>A on the coding strand, the complement: MBD4 is on the minus strand). VCF-style: chr3-129433957-A-T. GRCh37 (hg19) VCF-style: chr3-129152800-A-T.
Other names: c.1304T>A, p.Phe435Tyr (NM_001276271.2, NM_001276272.2, NM_003925.3); c.350T>A, p.Phe117Tyr (NM_001276273.2); short protein forms F435Y, F117Y, F429Y.
Identifiers: ClinVar variation 3870940 (VCV003870940.1).

ClinVar aggregate classification (germline): Uncertain significance (1 of 4 stars; one submission).

Conditions:
Inborn genetic diseases. Identifiers: MedGen C0950123, MeSH D030342.

Submission:

Ambry Genetics
Classification: Uncertain significance for Inborn genetic diseases. Last evaluated: 2025-02-17. Review status: criteria provided, single submitter. Criteria: Ambry Variant Classification Scheme 2023. Collection method: clinical testing. Allele origin: germline.
Comment: The p.F429Y variant (also known as c.1286T>A), located in coding exon 5 of the MBD4 gene, results from a T to A substitution at nucleotide position 1286. The phenylalanine at codon 429 is replaced by tyrosine, an amino acid with highly similar properties. This amino acid position is conserved. In addition, the in silico prediction for this alteration is inconclusive. Based on the available evidence, the clinical significance of this variant remains unclear.